The following is an entry in ClinVar:

NM_031885.5(BBS2):c.685dup (p.Tyr229fs)

Gene: BBS2 (Bardet-Biedl syndrome 2; minus strand). Cytogenetic location: 16q13.
Variant type: Duplication.
Coding change: c.685dup on transcript NM_031885.5 (MANE Select); coding-DNA position 685, one base duplicated (T; older notation c.685dupT).
Protein change: p.Tyr229fs; shifts the reading frame from tyrosine 229.
Molecular consequence: frameshift variant. On other transcripts: non-coding transcript variant (5).
Genome position (GRCh38, 1-based): chr16:56,506,152, A duplicated on the plus strand (T on the coding strand, the reverse complement: BBS2 is on the minus strand); the first of 3 consecutive A bases (chr16:56,506,152-56,506,154); duplicating any one gives the same sequence. VCF-style (leftmost placement, unchanged base first): chr16-56506151-T-TA. GRCh37 (hg19) VCF-style: chr16-56540063-T-TA.
Other names: c.685dup, p.Tyr229fs (NM_001377456.1); short protein forms Y229fs.
Identifiers: ClinVar variation 2998344 (VCV002998344.3), dbSNP rs2543721252, ClinGen allele CA2740093391.

ClinVar aggregate classification (germline): Pathogenic (1 of 4 stars; one submission).

Conditions:
Bardet-Biedl syndrome (BBS). Identifiers: Orphanet 110, MedGen C0752166, MONDO:0015229.

Submission:

Labcorp Genetics (formerly Invitae), Labcorp
Classification: Pathogenic for Bardet-Biedl syndrome. Last evaluated: 2023-09-10. Review status: criteria provided, single submitter. Criteria: Invitae Variant Classification Sherloc (09022015). Collection method: clinical testing. Allele origin: germline.
Comment: This variant is not present in population databases (gnomAD no frequency). This sequence change creates a premature translational stop signal (p.Tyr229Leufs*2) in the BBS2 gene. It is expected to result in an absent or disrupted protein product. Loss-of-function variants in BBS2 are known to be pathogenic (PMID: 11285252, 20177705, 24608809, 26518167). For these reasons, this variant has been classified as Pathogenic. This variant has not been reported in the literature in individuals affected with BBS2-related conditions.

Literature cited by the submitters: PubMed 11285252; PubMed 20177705; PubMed 24608809; PubMed 26518167.